The following is an entry in ClinVar:

NM_000136.3(FANCC):c.299A>C (p.Lys100Thr)

Gene: FANCC (FA complementation group C; minus strand). Cytogenetic location: 9q22.32.
Variant type: single nucleotide variant.
Coding change: c.299A>C on transcript NM_000136.3 (MANE Select); coding-DNA position 299, A replaced by C.
Protein change: p.Lys100Thr; replaces lysine 100 with threonine.
Molecular consequence: missense variant.
Genome position (GRCh38, 1-based): chr9:95,240,695, T>G on the plus strand (A>C on the coding strand, the complement: FANCC is on the minus strand). VCF-style: chr9-95240695-T-G. GRCh37 (hg19) VCF-style: chr9-98002977-T-G.
Other names: c.299A>C, p.Lys100Thr (NM_001243743.2, NM_001243744.2); short protein forms K100T.
Identifiers: ClinVar variation 1798602 (VCV001798602.2), dbSNP rs2542755492, ClinGen allele CA374339339.

ClinVar aggregate classification (germline): Uncertain significance (1 of 4 stars; one submission).

Conditions:
Hereditary cancer-predisposing syndrome. Also called: Neoplastic Syndromes, Hereditary; Tumor predisposition; Hereditary Cancer Syndrome; Hereditary neoplastic syndrome. Identifiers: Orphanet 140162, MedGen C0027672, MeSH D009386, MONDO:0015356.

Submission:

Ambry Genetics
Classification: Uncertain significance for Hereditary cancer-predisposing syndrome. Last evaluated: 2021-10-29. Review status: criteria provided, single submitter. Criteria: Ambry Variant Classification Scheme 2023. Collection method: clinical testing. Allele origin: germline.
Comment: The p.K100T variant (also known as c.299A>C), located in coding exon 3 of the FANCC gene, results from an A to C substitution at nucleotide position 299. The lysine at codon 100 is replaced by threonine, an amino acid with similar properties. This amino acid position is not well conserved in available vertebrate species. In addition, this alteration is predicted to be tolerated by in silico analysis. Since supporting evidence is limited at this time, the clinical significance of this alteration remains unclear.